The following is an entry in ClinVar:

ClinVar aggregate classification (germline): Uncertain significance. Review status: criteria provided, single submitter (1 of 4 stars). 2 submissions from 2 submitters: Uncertain significance (1). 1 of the submissions does not count toward it. Last evaluated 2024-05-10.

Conditions:
Hereditary cancer-predisposing syndrome. Also called: Hereditary neoplastic syndrome; Hereditary Cancer Syndrome; Neoplastic Syndromes, Hereditary; Tumor predisposition. Identifiers: Orphanet 140162, MedGen C0027672, MeSH D009386, MONDO:0015356.
Hereditary mixed polyposis syndrome. Also called: Hereditary Mixed Polyposis. Identifiers: Orphanet 157794, MedGen C5192681, MONDO:0011023.

Allele frequency attached by ClinVar (database versions not stated): gnomAD exomes 0.00001 and 0.00002; TOPMed 0.00001; ExAC 0.00002; gnomAD 0.00002.
gnomAD v4.1: 36 of 1,613,484 alleles (0.0022%); highest among the groups gnomAD compares: Non-Finnish European, 0.003%; no homozygotes.

Submissions (2):

Ambry Genetics
Classification: Uncertain significance for Hereditary cancer-predisposing syndrome. Last evaluated: 2024-05-10. Review status: criteria provided, single submitter. Criteria: Ambry Variant Classification Scheme 2023. Collection method: clinical testing. Allele origin: germline.
Comment: The p.N57H variant (also known as c.169A>C), located in coding exon 1 of the GREM1 gene, results from an A to C substitution at nucleotide position 169. The asparagine at codon 57 is replaced by histidine, an amino acid with similar properties. This amino acid position is conserved. In addition, this alteration is predicted to be tolerated by in silico analysis. Since supporting evidence is limited at this time, the clinical significance of this alteration remains unclear.

CSER _CC_NCGL, University of Washington
Classification: Uncertain significance for Hereditary mixed polyposis syndrome. Last evaluated: 2016-08-01. Review status: no assertion criteria provided. Collection method: research. Allele origin: germline. Inheritance: Autosomal dominant inheritance. Study: CSER - NEXT Medicine variant annotation. Not counted in ClinVar's aggregate classification.

NM_013372.7(GREM1):c.169A>C (p.Asn57His)

Gene: GREM1 (gremlin 1, DAN family BMP antagonist; plus strand). Cytogenetic location: 15q13.3.
Variant type: single nucleotide variant.
Coding change: c.169A>C on transcript NM_013372.7 (MANE Select); coding-DNA position 169, A replaced by C.
Protein change: p.Asn57His; replaces asparagine 57 with histidine.
Molecular consequence: missense variant. On other transcripts: intron variant (2).
Genome position (GRCh38, 1-based): chr15:32,730,859, A>C. VCF-style: chr15-32730859-A-C. GRCh37 (hg19) VCF-style: chr15-33023060-A-C.
Other names: c.169A>C, p.Asn57His (LRG_1365t1, NM_001368719.1); c.114+55A>C (NM_001191323.2); c.28-69A>C (NM_001191322.2); short protein forms N57H.
Identifiers: ClinVar variation 375861 (VCV000375861.4), dbSNP rs754206331, ClinGen allele CA7456122.